The following is an entry in ClinVar:

NM_001323289.2(CDKL5):c.2413C>T (p.Gln805Ter)

Gene: CDKL5 (cyclin dependent kinase like 5; plus strand). Cytogenetic location: Xp22.13.
Variant type: single nucleotide variant.
Coding change: c.2413C>T on transcript NM_001323289.2 (MANE Select); coding-DNA position 2413, C replaced by T.
Protein change: p.Gln805Ter; replaces glutamine 805 with a stop codon.
Molecular consequence: nonsense.
Genome position (GRCh38, 1-based): chrX:18,625,164, C>T. VCF-style: chrX-18625164-C-T. GRCh37 (hg19) VCF-style: chrX-18643284-C-T.
Other names: NM_001323289.2(CDKL5):c.2413C>T; p.Gln805Ter; c.2413C>T, p.Gln805Ter (NM_001037343.2, NM_003159.3); short protein forms Q805*.
Identifiers: ClinVar variation 143804 (VCV000143804.9), dbSNP rs267608659, ClinGen allele CA171625.
Genomic context (GRCh38, chrX:18,625,164, plus strand): 5'-ATGCTTGTCCATATTTTGCTCTAGGTACCCAATTCCGACAGCCCTGATCTTCTGACGTTG[C>T]AGAAATCCATTCATTCTGCTAGCACTCCAAGCAGCAGACCAAAGGAGTGGCGCCCCGAGA-3'

ClinVar aggregate classification (germline): Pathogenic/Likely pathogenic. Review status: criteria provided, multiple submitters, no conflicts (2 of 4 stars). 4 submissions from 4 submitters: Pathogenic (2); Likely pathogenic (1). 1 of the submissions does not count toward it. Last evaluated 2025-02-19.

Conditions:
CDKL5 disorder. Identifiers: MedGen CN296942, MONDO:0100039.
Developmental and epileptic encephalopathy, 2 (DEE2). Also called: INFANTILE SPASM SYNDROME, X-LINKED 2; CDKL5 deficiency disorder. Identifiers: Orphanet 1934, Orphanet 3451, Orphanet 505652, MedGen C4750718, MONDO:0010396, OMIM 300672.

Submissions (4):

Centre for Population Genomics, CPG
Classification: Pathogenic for CDKL5 disorder. Last evaluated: 2025-02-19. Review status: criteria provided, single submitter. Criteria: McKnight et al. (Hum Mutat. 2022). Collection method: curation. Allele origin: germline. Inheritance: X-linked inheritance.
Comment: This variant has been collected from RettBASE and curated to current modified ACMG/AMP criteria. Based on the classification scheme defined by the ClinGen Rett/Angelman-like Expert Panel for Rett/AS-like Disorders Specifications to the ACMG/AMP Variant Interpretation Guidelines VCEP 3.0, this variant is classified as pathogenic. At least the following criteria are met: Predicted to result in loss of function, and LOF is a known mechanism of disease (PVS1). This variant is absent from gnomAD v4 (PM2_Supporting). Has been observed in at least 2 individuals with phenotypes consistent with CDKL5 disorder (PS4_Supporting). PMID 23583054 ClinVar Variation ID: 143804

NeuroMeGen, Hospital Clinico Santiago de Compostela
Classification: Likely pathogenic for Developmental and epileptic encephalopathy, 2. Last evaluated: 2018-01-01. Review status: criteria provided, single submitter. Criteria: ACMG Guidelines, 2015. Collection method: clinical testing. Allele origin: de novo. Affected: yes. Observed: 1 hemizygote.

Genetic Services Laboratory, University of Chicago
Classification: Pathogenic for Epileptic encephalopathy, early infantile, 2. Last evaluated: 2013-02-08. Review status: criteria provided, single submitter. Criteria: ACMG Guidelines, 2007. Collection method: clinical testing. Allele origin: germline. Inheritance: X-linked inheritance. Affected: yes.

RettBASE
Classification: Pathogenic for Epileptic encephalopathy, early infantile, 2. Last evaluated: 2014-03-13. Review status: no assertion criteria provided. Collection method: curation. Allele origin: de novo. Affected: yes. Observed: 1 variant allele. Not counted in ClinVar's aggregate classification.
Comment: Truncation causing loss of nuclear export signal

Literature cited by the submitters: PubMed 23583054 (cited by Centre for Population Genomics, CPG and RettBASE).